The following is an entry in ClinVar:

NC_000019.10:g.39480802_39480824dup

Gene: TIMM50 (translocase of inner mitochondrial membrane 50; plus strand). Cytogenetic location: 19q13.2.
Variant type: Duplication.
Genome position: GRCh38 VCF-style: chr19-39480801-C-CGGGGCGGGCGAAGAGGGAGCGAG. GRCh37 (hg19) VCF-style: chr19-39971441-C-CGGGGCGGGCGAAGAGGGAGCGAG.
Identifiers: ClinVar variation 2026034 (VCV002026034.4), dbSNP rs2514609286, ClinGen allele CA2580097228.

ClinVar aggregate classification (germline): Uncertain significance (1 of 4 stars; one submission).

Submission:

Labcorp Genetics (formerly Invitae), Labcorp
Classification: Uncertain significance. Last evaluated: 2022-03-18. Review status: criteria provided, single submitter. Criteria: Invitae Variant Classification Sherloc (09022015). Collection method: clinical testing. Allele origin: germline.
Comment: This sequence change creates a premature translational stop signal (p.Val94Glyfs*98) in the TIMM50 gene. It is expected to result in an absent or disrupted protein product. However, the current clinical and genetic evidence is not sufficient to establish whether loss-of-function variants in TIMM50 cause disease. This variant is not present in population databases (gnomAD no frequency). This variant has not been reported in the literature in individuals affected with TIMM50-related conditions. In summary, the available evidence is currently insufficient to determine the role of this variant in disease. Therefore, it has been classified as a Variant of Uncertain Significance.